The following is an entry in ClinVar:

ClinVar aggregate classification (germline): Likely pathogenic (1 of 4 stars; one submission).

Conditions:
Dilated cardiomyopathy 1G (CMD1G). Identifiers: Orphanet 154, MedGen C1858763, MONDO:0011400, OMIM 604145.
Autosomal recessive limb-girdle muscular dystrophy type 2J (LGMDR10). Also called: Limb-girdle muscular dystrophy, type 2J; MUSCULAR DYSTROPHY, LIMB-GIRDLE, AUTOSOMAL RECESSIVE 10. Identifiers: Orphanet 140922, MedGen C1837342, MONDO:0012127, OMIM 608807.

Submission:

Labcorp Genetics (formerly Invitae), Labcorp
Classification: Likely pathogenic for Dilated cardiomyopathy 1G; Autosomal recessive limb-girdle muscular dystrophy type 2J. Last evaluated: 2019-08-19. Review status: criteria provided, single submitter. Criteria: Invitae Variant Classification Sherloc (09022015). Collection method: clinical testing. Allele origin: germline.
Comment: This variant is located in the A band of TTN (PMID: 25589632). Truncating variants in this region are significantly overrepresented in patients affected with dilated cardiomyopathy (PMID: 25589632). Truncating variants in this region have also been reported in individuals affected with autosomal recessive centronuclear myopathy (PMID: 23975875). In summary, the currently available evidence indicates that the variant is pathogenic, but additional data are needed to prove that conclusively. Therefore, this variant has been classified as Likely Pathogenic. This variant has not been reported in the literature in individuals with TTN-related conditions. This variant is not present in population databases (ExAC no frequency). This sequence change results in a premature translational stop signal in the TTN gene (p.Glu16584*). While this is not anticipated to result in nonsense mediated decay, it is expected to create a truncated TTN protein.

Literature cited by the submitters: PubMed 25589632; PubMed 23975875.

NM_001267550.2(TTN):c.49749dup (p.Glu16584Ter)

Genes: TTN-AS1 (TTN antisense RNA 1; plus strand), TTN (titin; minus strand). Cytogenetic location: 2q31.2.
Variant type: Duplication.
Coding change: c.49749dup on transcript NM_001267550.2 (MANE Select); coding-DNA position 49749, one base duplicated (T; older notation c.49749dupT).
Protein change: p.Glu16584Ter; replaces glutamic acid 16584 with a stop codon.
Molecular consequence: nonsense.
Genome position (GRCh38, 1-based): chr2:178,612,972, A duplicated on the plus strand (T on the coding strand, the reverse complement: TTN is on the minus strand); the first of 2 consecutive A bases (chr2:178,612,972-178,612,973); duplicating either gives the same sequence. VCF-style (leftmost placement, unchanged base first): chr2-178612971-C-CA. GRCh37 (hg19) VCF-style: chr2-179477698-C-CA.
Other names: c.44826dup, p.Glu14943Ter (NM_001256850.1); c.22554dup, p.Glu7519Ter (NM_003319.4); c.42045dup, p.Glu14016Ter (NM_133378.4); c.22929dup, p.Glu7644Ter (NM_133432.3); c.23130dup, p.Glu7711Ter (NM_133437.4); short protein forms E14943*, E7519*, E7711*, E16584*, E14016*, E7644*.
Identifiers: ClinVar variation 956444 (VCV000956444.10), dbSNP rs2056619632, ClinGen allele CA1139657454.